The following is an entry in ClinVar:

NM_000071.3(CBS):c.1451A>G (p.Tyr484Cys)

Gene: CBS (cystathionine beta-synthase; minus strand). Cytogenetic location: 21q22.3.
Variant type: single nucleotide variant.
Coding change: c.1451A>G on transcript NM_000071.3 (MANE Select); coding-DNA position 1451, A replaced by G.
Protein change: p.Tyr484Cys; replaces tyrosine 484 with cysteine.
Molecular consequence: missense variant.
Genome position (GRCh38, 1-based): chr21:43,058,161, T>C on the plus strand (A>G on the coding strand, the complement: CBS is on the minus strand). VCF-style: chr21-43058161-T-C. GRCh37 (hg19) VCF-style: chr21-44478271-T-C.
Other names: c.1451A>G, p.Tyr484Cys (NM_001178008.3, NM_001178009.3, NM_001320298.2); c.1136A>G, p.Tyr379Cys (NM_001321072.1); short protein forms Y484C, Y379C.
Identifiers: ClinVar variation 538699 (VCV000538699.12), dbSNP rs1555871913, ClinGen allele CA410396619.

ClinVar aggregate classification (germline): Uncertain significance (1 of 4 stars; one submission).

Conditions:
HYPERHOMOCYSTEINEMIA, THROMBOTIC, CBS-RELATED. Identifiers: MedGen C3150344, OMIM 236200.

Submission:

Labcorp Genetics (formerly Invitae), Labcorp
Classification: Uncertain significance for HYPERHOMOCYSTEINEMIA, THROMBOTIC, CBS-RELATED. Last evaluated: 2022-02-23. Review status: criteria provided, single submitter. Criteria: Invitae Variant Classification Sherloc (09022015). Collection method: clinical testing. Allele origin: germline.
Comment: This sequence change replaces tyrosine, which is neutral and polar, with cysteine, which is neutral and slightly polar, at codon 484 of the CBS protein (p.Tyr484Cys). In summary, the available evidence is currently insufficient to determine the role of this variant in disease. Therefore, it has been classified as a Variant of Uncertain Significance. Algorithms developed to predict the effect of missense changes on protein structure and function (SIFT, PolyPhen-2, Align-GVGD) all suggest that this variant is likely to be tolerated. ClinVar contains an entry for this variant (Variation ID: 538699). This variant has not been reported in the literature in individuals affected with CBS-related conditions. This variant is not present in population databases (gnomAD no frequency).